The following is an entry in ClinVar:

NM_001384732.1(CPLANE1):c.2222A>G (p.Asn741Ser)

Gene: CPLANE1 (ciliogenesis and planar polarity effector complex subunit 1; minus strand). Cytogenetic location: 5p13.2.
Variant type: single nucleotide variant.
Coding change: c.2222A>G on transcript NM_001384732.1 (MANE Select); coding-DNA position 2222, A replaced by G.
Protein change: p.Asn741Ser; replaces asparagine 741 with serine.
Molecular consequence: missense variant.
Genome position (GRCh38, 1-based): chr5:37,226,373, T>C on the plus strand (A>G on the coding strand, the complement: CPLANE1 is on the minus strand). VCF-style: chr5-37226373-T-C. GRCh37 (hg19) VCF-style: chr5-37226475-T-C.
Other names: c.2222A>G, p.Asn741Ser (NM_023073.4); short protein forms N741S.
Identifiers: ClinVar variation 2097958 (VCV002097958.4), dbSNP rs2548576988, ClinGen allele CA359494958.

ClinVar aggregate classification (germline): Uncertain significance (1 of 4 stars; one submission).

Submission:

Labcorp Genetics (formerly Invitae), Labcorp
Classification: Uncertain significance. Last evaluated: 2022-10-13. Review status: criteria provided, single submitter. Criteria: Invitae Variant Classification Sherloc (09022015). Collection method: clinical testing. Allele origin: germline.
Comment: In summary, the available evidence is currently insufficient to determine the role of this variant in disease. Therefore, it has been classified as a Variant of Uncertain Significance. This variant has not been reported in the literature in individuals affected with CPLANE1-related conditions. Advanced modeling of protein sequence and biophysical properties (such as structural, functional, and spatial information, amino acid conservation, physicochemical variation, residue mobility, and thermodynamic stability) performed at Invitae indicates that this missense variant is not expected to disrupt CPLANE1 protein function. This variant is not present in population databases (gnomAD no frequency). This sequence change replaces asparagine, which is neutral and polar, with serine, which is neutral and polar, at codon 741 of the CPLANE1 protein (p.Asn741Ser).